The following is an entry in ClinVar:

NM_000214.3(JAG1):c.387+1G>C

Gene: JAG1 (jagged canonical Notch ligand 1; minus strand). Cytogenetic location: 20p12.2.
Variant type: single nucleotide variant.
Coding change: c.387+1G>C on transcript NM_000214.3 (MANE Select); the canonical splice donor site of the intron after coding-DNA position 387, G replaced by C.
Molecular consequence: splice donor variant.
Genome position (GRCh38, 1-based): chr20:10,672,700, C>G on the plus strand (G>C on the coding strand, the complement: JAG1 is on the minus strand). VCF-style: chr20-10672700-C-G. GRCh37 (hg19) VCF-style: chr20-10653348-C-G.
Identifiers: ClinVar variation 3062314 (VCV003062314.1), dbSNP rs2514537639, ClinGen allele CA408242287.

ClinVar aggregate classification (germline): Likely pathogenic (1 of 4 stars; one submission).

Conditions:
Alagille syndrome due to a JAG1 point mutation. Also called: JAG1-Related Alagille Syndrome; HEPATIC DUCTULAR HYPOPLASIA, SYNDROMATIC; Alagille Syndrome 1. Identifiers: Orphanet 261619, Orphanet 52, MedGen C1956125, MONDO:0016862, OMIM 118450.

Submission:

Molecular Genetics Department, Kulakov National Medical Research Center for Obstetrics, Gynecology and Perinatology
Classification: Likely pathogenic for Alagille syndrome due to a JAG1 point mutation. Review status: criteria provided, single submitter. Criteria: ACMG Guidelines, 2015. Collection method: clinical testing. Allele origin: germline. Affected: yes.
Comment: A previously undescribed nucleotide variant creates an alteration of the canonical splice site c.387+1G>C in the JAG1 gene. Loss-of-function variants are reported in patients with Alagille syndrome 1, 118450. The variant is not present in population database (gnomAD no frequency). In summary, the currently available evidence indicates that the variant is pathogenic, but additional data are needed to prove that conclusively. Therefore, this variant has been classified as likely pathogenic.